The following is an entry in ClinVar:

NM_182760.4(SUMF1):c.841-75C>T

Gene: SUMF1 (sulfatase modifying factor 1; minus strand). Cytogenetic location: 3p26.1.
Variant type: single nucleotide variant.
Coding change: c.841-75C>T on transcript NM_182760.4 (MANE Select); 75 bases into the intron before coding-DNA position 841, C replaced by T.
Molecular consequence: intron variant.
Genome position (GRCh38, 1-based): chr3:4,411,053, G>A on the plus strand (C>T on the coding strand, the complement: SUMF1 is on the minus strand). VCF-style: chr3-4411053-G-A. GRCh37 (hg19) VCF-style: chr3-4452737-G-A.
Other names: c.766-75C>T (NM_001164674.2); c.841-75C>T (NM_001164675.2).
Identifiers: ClinVar variation 684127 (VCV000684127.4), dbSNP rs813811, ClinGen allele CA15277699.

ClinVar aggregate classification (germline): Benign. Review status: criteria provided, multiple submitters, no conflicts (2 of 4 stars). 3 submissions from 3 submitters: Benign (3). Last evaluated 2021-06-15.

Conditions:
Multiple sulfatase deficiency (MSD). Also called: Mucosulfatidosis; Multiple Sulfatase Deficiency Disease; Sulfatidosis, Juvenile, Austin Type. Identifiers: Orphanet 585, MedGen C0268263, MONDO:0010088, OMIM 272200.

Allele frequency attached by ClinVar (database versions not stated): 1000 Genomes Project 0.57967; 1000 Genomes Project 30x 0.58448; gnomAD exomes 0.65474; gnomAD 0.66011 and 0.66935; TOPMed 0.66936.
gnomAD v4.1: 740,188 of 1,129,592 alleles (66%); highest among the groups gnomAD compares: Non-Finnish European, 69%; 245,767 homozygotes.

Submissions (3):

Pars Genome Lab
Classification: Benign for Multiple sulfatase deficiency. Last evaluated: 2021-06-15. Review status: criteria provided, single submitter. Criteria: ACMG Guidelines, 2015. Collection method: clinical testing. Allele origin: germline. Affected: no.

GeneDx
Classification: Benign. Last evaluated: 2018-06-19. Review status: criteria provided, single submitter. Criteria: GeneDx Variant Classification (06012015). Collection method: clinical testing. Allele origin: germline. Affected: yes.
Comment: This variant is considered likely benign or benign based on one or more of the following criteria: it is a conservative change, it occurs at a poorly conserved position in the protein, it is predicted to be benign by multiple in silico algorithms, and/or has population frequency not consistent with disease.

Breakthrough Genomics
Classification: Benign. Review status: criteria provided, single submitter. Criteria: ACMG Guidelines, 2015. Collection method: not provided. Allele origin: germline. Inheritance: Autosomal recessive inheritance. Affected: yes.